The following is an entry in ClinVar:

NM_000276.4(OCRL):c.2428C>T (p.Arg810Ter)

Gene: OCRL (OCRL inositol polyphosphate-5-phosphatase; plus strand). Cytogenetic location: Xq26.1.
Variant type: single nucleotide variant.
Coding change: c.2428C>T on transcript NM_000276.4 (MANE Select); coding-DNA position 2428, C replaced by T.
Protein change: p.Arg810Ter; replaces arginine 810 with a stop codon.
Molecular consequence: nonsense.
Genome position (GRCh38, 1-based): chrX:129,588,972, C>T. VCF-style: chrX-129588972-C-T. GRCh37 (hg19) VCF-style: chrX-128722949-C-T.
Other names: c.2431C>T, p.Arg811Ter (NM_001318784.2); c.2404C>T, p.Arg802Ter (NM_001587.4); short protein forms R810*, R802*, R811*.
Identifiers: ClinVar variation 594148 (VCV000594148.15), dbSNP rs1569463775, ClinGen allele CA414631348.

ClinVar aggregate classification (germline): Pathogenic. Review status: criteria provided, multiple submitters, no conflicts (2 of 4 stars). 4 submissions from 4 submitters: Pathogenic (3). 1 of the submissions does not count toward it. Last evaluated 2024-01-08.

Conditions:
Dent disease type 2. Identifiers: Orphanet 1652, Orphanet 93623, MedGen C1845167, MONDO:0010359, OMIM 300555.
Lowe syndrome (OCRL). Also called: PHOSPHATIDYLINOSITOL 4,5-BISPHOSPHATE 5-PHOSPHATASE DEFICIENCY; LOWE OCULOCEREBRORENAL SYNDROME; Oculocerebrorenal Syndrome. Identifiers: Orphanet 534, MedGen C0028860, MONDO:0010645, OMIM 309000.

Submissions (4):

Fulgent Genetics
Classification: Pathogenic for Dent disease type 2; Lowe syndrome. Last evaluated: 2024-01-08. Review status: criteria provided, single submitter. Criteria: ACMG Guidelines, 2015. Collection method: clinical testing. Allele origin: germline.

Labcorp Genetics (formerly Invitae), Labcorp
Classification: Pathogenic for Lowe syndrome. Last evaluated: 2020-08-19. Review status: criteria provided, single submitter. Criteria: Invitae Variant Classification Sherloc (09022015). Collection method: clinical testing. Allele origin: germline.
Comment: This variant has been observed in individual(s) with Lowe syndrome (PMID: 10923037). It is also known as R793X in the literature. ClinVar contains an entry for this variant (Variation ID: 594148). For these reasons, this variant has been classified as Pathogenic. Loss-of-function variants in OCRL are known to be pathogenic (PMID: 21031565, 22381590). This variant is not present in population databases (ExAC no frequency). This sequence change creates a premature translational stop signal (p.Arg810*) in the OCRL gene. It is expected to result in an absent or disrupted protein product.

Eurofins Ntd Llc (ga)
Classification: Pathogenic. Last evaluated: 2017-09-28. Review status: criteria provided, single submitter. Criteria: EGL Classification Definitions 2015. Collection method: clinical testing. Allele origin: germline. Observed: 2 variant alleles, 2 hemizygotes.

Biochemistry Laboratory of CDMU, Chengde Medical University
Classification: Pathogenic for Lowe syndrome. Review status: no assertion criteria provided. Criteria: ACMG Guidelines, 2015. Collection method: case-control. Allele origin: de novo. Affected: yes. Not counted in ClinVar's aggregate classification.

Literature cited by the submitters: PubMed 10923037 (cited by Labcorp Genetics (formerly Invitae), Labcorp); PubMed 21031565 (cited by Labcorp Genetics (formerly Invitae), Labcorp); PubMed 22381590 (cited by Labcorp Genetics (formerly Invitae), Labcorp).